The following is an entry in ClinVar:

NC_000001.10:g.(?_161332109)_(161332308_?)dup

Gene: SDHC (succinate dehydrogenase complex subunit C; plus strand). Cytogenetic location: 1q23.3.
Variant type: Duplication.
Identifiers: ClinVar variation 1040339 (VCV001040339.14).

ClinVar aggregate classification (germline): Uncertain significance (1 of 4 stars; one submission).

Conditions:
Gastrointestinal stromal tumor. Also called: Gastrointestinal stromal tumor, somatic; Gastrointestinal stroma tumor. Identifiers: Orphanet 44890, MedGen C0238198, MeSH D046152, MONDO:0011719, OMIM 606764, HP:0100723.
Pheochromocytoma/paraganglioma syndrome 3. Also called: GLOMUS TUMORS, FAMILIAL, 3; SDHC-Related Hereditary Paraganglioma-Pheochromocytoma Syndrome (Paragangliomas 3); Paragangliomas 3; SDHC-Related Hereditary Paraganglioma-Pheochromocytoma Syndrome. Identifiers: Orphanet 29072, MedGen C1854336, MONDO:0011544, OMIM 605373.

Submission:

Labcorp Genetics (formerly Invitae), Labcorp
Classification: Uncertain significance for Pheochromocytoma/paraganglioma syndrome 3; Gastrointestinal stromal tumor. Last evaluated: 2022-03-08. Review status: criteria provided, single submitter. Criteria: Invitae Variant Classification Sherloc (09022015). Collection method: clinical testing. Allele origin: germline.
Comment: This variant results in a copy number gain of the genomic region encompassing exon(s) 6 of the SDHC gene. This region includes the termination codon of the gene. This copy number gain extends beyond the assayed region for this gene and therefore may encompass additional genes. As the precise location of this event is unknown, it may be in tandem or it may be located elsewhere in the genome. This variant has not been reported in the literature in individuals affected with SDHC-related conditions. Experimental studies and prediction algorithms are not available or were not evaluated, and the functional significance of this variant is currently unknown. In summary, the available evidence is currently insufficient to determine the role of this variant in disease. Therefore, it has been classified as a Variant of Uncertain Significance.